The following is an entry in ClinVar:

ClinVar aggregate classification (germline): Benign. Review status: criteria provided, single submitter (1 of 4 stars). 2 submissions from 2 submitters: Benign (1). 1 of the submissions does not count toward it. Last evaluated 2026-04-01.

Conditions:
INPP5K-related disorder. Also called: INPP5K-related condition.

Allele frequency attached by ClinVar (database versions not stated): 1000 Genomes Project 30x 0.00328; 1000 Genomes Project 0.00359.
gnomAD v4.1: 1,593 of 1,613,912 alleles (0.099%); highest among the groups gnomAD compares: South Asian, 1.6%; 23 homozygotes.

Submissions (2):

CeGaT Center for Human Genetics Tuebingen
Classification: Benign. Last evaluated: 2026-04-01. Review status: criteria provided, single submitter. Criteria: CeGaT Center For Human Genetics Tuebingen Variant Classification Criteria Version 2. Collection method: clinical testing. Allele origin: germline. Affected: yes. Observed: 1 variant allele.
Comment: INPP5K: BP4, BS1, BS2

PreventionGenetics, part of Exact Sciences
Classification: Benign for INPP5K-related condition. Last evaluated: 2019-04-22. Review status: no assertion criteria provided. Collection method: clinical testing. Allele origin: germline. Not counted in ClinVar's aggregate classification.
Comment: This variant is classified as benign based on ACMG/AMP sequence variant interpretation guidelines (Richards et al. 2015 PMID: 25741868, with internal and published modifications).

NM_016532.4(INPP5K):c.643G>A (p.Gly215Ser)

Gene: INPP5K (inositol polyphosphate-5-phosphatase K; minus strand). Cytogenetic location: 17p13.3.
Variant type: single nucleotide variant.
Coding change: c.643G>A on transcript NM_016532.4 (MANE Select); coding-DNA position 643, G replaced by A.
Protein change: p.Gly215Ser; replaces glycine 215 with serine.
Molecular consequence: missense variant.
Genome position (GRCh38, 1-based): chr17:1,508,138, C>T on the plus strand (G>A on the coding strand, the complement: INPP5K is on the minus strand). VCF-style: chr17-1508138-C-T. GRCh37 (hg19) VCF-style: chr17-1411432-C-T.
Other names: c.415G>A, p.Gly139Ser (NM_001135642.2, NM_130766.3); short protein forms G139S, G215S.
Identifiers: ClinVar variation 3046148 (VCV003046148.4), dbSNP rs61733755, ClinGen allele CA8268534.